The following is an entry in ClinVar:

ClinVar aggregate classification (germline): Uncertain significance. Review status: criteria provided, multiple submitters, no conflicts (2 of 4 stars). 2 submissions from 2 submitters: Uncertain significance (2). Last evaluated 2022-08-22.

Conditions:
Congenital adrenal hyperplasia due to cytochrome P450 oxidoreductase deficiency. Also called: DISORDERED STEROIDOGENESIS DUE TO POR DEFICIENCY. Identifiers: Orphanet 95699, MedGen C1860042, MONDO:0013310, OMIM 613571.

Allele frequency attached by ClinVar (database versions not stated): gnomAD 0.00003; ExAC 0.00005; TOPMed 0.00005; gnomAD exomes 0.00006; ESP Exome Variant Server 0.00016.
gnomAD v4.1: 80 of 1,613,536 alleles (0.005%); highest among the groups gnomAD compares: Admixed American, 0.012%; no homozygotes.

Submissions (2):

Labcorp Genetics (formerly Invitae), Labcorp
Classification: Uncertain significance for Congenital adrenal hyperplasia due to cytochrome P450 oxidoreductase deficiency. Last evaluated: 2022-08-22. Review status: criteria provided, single submitter. Criteria: Invitae Variant Classification Sherloc (09022015). Collection method: clinical testing. Allele origin: germline.
Comment: This sequence change replaces glycine, which is neutral and non-polar, with arginine, which is basic and polar, at codon 109 of the POR protein (p.Gly109Arg). This variant is present in population databases (rs372623440, gnomAD 0.02%). This variant has not been reported in the literature in individuals affected with POR-related conditions. ClinVar contains an entry for this variant (Variation ID: 360696). Algorithms developed to predict the effect of missense changes on protein structure and function are either unavailable or do not agree on the potential impact of this missense change (SIFT: "Tolerated"; PolyPhen-2: "Probably Damaging"; Align-GVGD: "Class C0"). Algorithms developed to predict the effect of sequence changes on RNA splicing suggest that this variant may create or strengthen a splice site. In summary, the available evidence is currently insufficient to determine the role of this variant in disease. Therefore, it has been classified as a Variant of Uncertain Significance.

Illumina Laboratory Services, Illumina
Classification: Uncertain significance for Congenital adrenal hyperplasia due to cytochrome P450 oxidoreductase deficiency. Last evaluated: 2018-01-12. Review status: criteria provided, single submitter. Criteria: ICSL Variant Classification Criteria 13 December 2019. Collection method: clinical testing. Allele origin: germline.

NM_001395413.1(POR):c.316G>A (p.Gly106Arg)

Gene: POR (cytochrome p450 oxidoreductase; plus strand). Cytogenetic location: 7q11.23.
Variant type: single nucleotide variant.
Coding change: c.316G>A on transcript NM_001395413.1 (MANE Select); coding-DNA position 316, G replaced by A.
Protein change: p.Gly106Arg; replaces glycine 106 with arginine.
Molecular consequence: missense variant.
Genome position (GRCh38, 1-based): chr7:75,979,538, G>A. VCF-style: chr7-75979538-G-A. GRCh37 (hg19) VCF-style: chr7-75608856-G-A.
Other names: c.316G>A, p.Gly106Arg (NM_001367562.3, NM_001382657.2, NM_001382658.3 and 2 more transcripts); c.370G>A, p.Gly124Arg (NM_001382655.3); short protein forms G106R, G124R.
Identifiers: ClinVar variation 360696 (VCV000360696.7), dbSNP rs372623440, ClinGen allele CA4303586.